The following is an entry in ClinVar:

ClinVar aggregate classification (germline): Uncertain significance. Review status: criteria provided, multiple submitters, no conflicts (2 of 4 stars). 3 submissions from 3 submitters: Uncertain significance (3). Last evaluated 2025-08-13.

Conditions:
UBA5-related disorder. Also called: UBA5-related disorders; UBA5-related condition.
Inborn genetic diseases. Identifiers: MedGen C0950123, MeSH D030342.

Allele frequency attached by ClinVar (database versions not stated): gnomAD 0.00002; gnomAD exomes 0.00002 and 0.00003; ExAC 0.00002; TOPMed 0.00002.
gnomAD v4.1: 47 of 1,613,382 alleles (0.0029%); highest among the groups gnomAD compares: Non-Finnish European, 0.0039%; no homozygotes.

Submissions (3):

PreventionGenetics, part of Exact Sciences
Classification: Uncertain significance for UBA5-related condition. Last evaluated: 2025-08-13. Review status: criteria provided, single submitter. Criteria: ACMG Guidelines, 2015. Collection method: clinical testing. Allele origin: germline.
Comment: The UBA5 c.895C>T variant is predicted to result in the amino acid substitution p.Pro299Ser. This variant has been reported in the homozygous state in an individual with severe global developmental delay, epilepsy, and additional features (Al-Saady et al. 2021. PubMed ID: 33853163). In vitro experimental studies suggest this variant impacts protein function (Saady et al. 2021. PubMed ID: 33853163). This variant is reported in 0.0047% of alleles in individuals of European (Non-Finnish) descent in gnomAD. At this time, the clinical significance of this variant is uncertain due to the absence of conclusive functional and genetic evidence.

Labcorp Genetics (formerly Invitae), Labcorp
Classification: Uncertain significance. Last evaluated: 2022-11-27. Review status: criteria provided, single submitter. Criteria: Invitae Variant Classification Sherloc (09022015). Collection method: clinical testing. Allele origin: germline.
Comment: Advanced modeling of protein sequence and biophysical properties (such as structural, functional, and spatial information, amino acid conservation, physicochemical variation, residue mobility, and thermodynamic stability) performed at Invitae indicates that this missense variant is expected to disrupt UBA5 protein function. This sequence change replaces proline, which is neutral and non-polar, with serine, which is neutral and polar, at codon 299 of the UBA5 protein (p.Pro299Ser). This variant is present in population databases (rs767107499, gnomAD 0.005%). This missense change has been observed in individuals with UBA5-related conditions (PMID: 33853163; Invitae). ClinVar contains an entry for this variant (Variation ID: 1367187). In summary, the available evidence is currently insufficient to determine the role of this variant in disease. Therefore, it has been classified as a Variant of Uncertain Significance.

Ambry Genetics
Classification: Uncertain significance for Inborn genetic diseases. Last evaluated: 2022-09-25. Review status: criteria provided, single submitter. Criteria: Ambry Variant Classification Scheme 2023. Collection method: clinical testing. Allele origin: germline.

Literature cited by the submitters: PubMed 33853163 (cited by Labcorp Genetics (formerly Invitae), Labcorp and Ambry Genetics).

NM_024818.6(UBA5):c.895C>T (p.Pro299Ser)

Genes: UBA5 (ubiquitin like modifier activating enzyme 5; plus strand), NPHP3-ACAD11 (NPHP3-ACAD11 readthrough (NMD candidate); minus strand). Cytogenetic location: 3q22.1.
Variant type: single nucleotide variant.
Coding change: c.895C>T on transcript NM_024818.6 (MANE Select); coding-DNA position 895, C replaced by T.
Protein change: p.Pro299Ser; replaces proline 299 with serine.
Molecular consequence: missense variant.
Genome position (GRCh38, 1-based): chr3:132,675,330, C>T. VCF-style: chr3-132675330-C-T. GRCh37 (hg19) VCF-style: chr3-132394174-C-T.
Other names: c.727C>T, p.Pro243Ser (NM_001320210.2, NM_198329.4); c.625C>T, p.Pro209Ser (NM_001321238.2); c.559C>T, p.Pro187Ser (NM_001321239.1); c.895C>T (NM_024818.4, NM_024818.3); short protein forms P299S, P187S, P209S, P243S.
Identifiers: ClinVar variation 1367187 (VCV001367187.10), dbSNP rs767107499, ClinGen allele CA2621477.